The following is an entry in ClinVar:

ClinVar aggregate classification (germline): Uncertain significance (1 of 4 stars; one submission).

Conditions:
RPGRIP1L-related disorder. Also called: RPGRIP1L-related disorders; RPGRIP1L-related condition. Identifiers: MedGen CN239416.

gnomAD v4.1: 3 of 1,604,062 alleles (0.00019%); highest among the groups gnomAD compares: Non-Finnish European, 0.00026%; no homozygotes.

Submission:

PreventionGenetics, part of Exact Sciences
Classification: Uncertain significance for RPGRIP1L-related condition. Last evaluated: 2025-05-22. Review status: criteria provided, single submitter. Criteria: ACMG Guidelines, 2015. Collection method: clinical testing. Allele origin: germline.
Comment: The RPGRIP1L c.1471C>A variant is predicted to result in the amino acid substitution p.Leu491Ile. To our knowledge, this variant has not been reported in the literature or in a large population database (gnomAD), indicating this variant is rare. At this time, the clinical significance of this variant is uncertain due to the absence of conclusive functional and genetic evidence.

NM_015272.5(RPGRIP1L):c.1471C>A (p.Leu491Ile)

Gene: RPGRIP1L (RPGRIP1 like; minus strand). Cytogenetic location: 16q12.2.
Variant type: single nucleotide variant.
Coding change: c.1471C>A on transcript NM_015272.5 (MANE Select); coding-DNA position 1471, C replaced by A.
Protein change: p.Leu491Ile; replaces leucine 491 with isoleucine.
Molecular consequence: missense variant.
Genome position (GRCh38, 1-based): chr16:53,657,563, G>T on the plus strand (C>A on the coding strand, the complement: RPGRIP1L is on the minus strand). VCF-style: chr16-53657563-G-T. GRCh37 (hg19) VCF-style: chr16-53691475-G-T.
Other names: c.1471C>A, p.Leu491Ile (NM_001127897.4, NM_001308334.3, NM_001330538.2); short protein forms L491I.
Identifiers: ClinVar variation 5000891 (VCV005000891.1).